The following is an entry in ClinVar:

ClinVar aggregate classification (germline): Uncertain significance (1 of 4 stars; one submission).

gnomAD v4.1: 17 of 1,613,884 alleles (0.0011%); highest among the groups gnomAD compares: Middle Eastern, 0.049%; no homozygotes.

Submission:

Labcorp Genetics (formerly Invitae), Labcorp
Classification: Uncertain significance. Last evaluated: 2024-02-17. Review status: criteria provided, single submitter. Criteria: Invitae Variant Classification Sherloc (09022015). Collection method: clinical testing. Allele origin: germline.
Comment: This sequence change replaces arginine, which is basic and polar, with tryptophan, which is neutral and slightly polar, at codon 429 of the ROR1 protein (p.Arg429Trp). This variant is present in population databases (rs747183915, gnomAD 0.003%). This variant has not been reported in the literature in individuals affected with ROR1-related conditions. Advanced modeling of protein sequence and biophysical properties (such as structural, functional, and spatial information, amino acid conservation, physicochemical variation, residue mobility, and thermodynamic stability) performed at Invitae indicates that this missense variant is not expected to disrupt ROR1 protein function with a negative predictive value of 80%. In summary, the available evidence is currently insufficient to determine the role of this variant in disease. Therefore, it has been classified as a Variant of Uncertain Significance.

NM_005012.4(ROR1):c.1285C>T (p.Arg429Trp)

Gene: ROR1 (receptor tyrosine kinase like orphan receptor 1; plus strand). Cytogenetic location: 1p31.3.
Variant type: single nucleotide variant.
Coding change: c.1285C>T on transcript NM_005012.4 (MANE Select); coding-DNA position 1285, C replaced by T.
Protein change: p.Arg429Trp; replaces arginine 429 with tryptophan.
Molecular consequence: missense variant.
Genome position (GRCh38, 1-based): chr1:64,159,091, C>T. VCF-style: chr1-64159091-C-T. GRCh37 (hg19) VCF-style: chr1-64624774-C-T.
Other names: short protein forms R429W.
Identifiers: ClinVar variation 3604759 (VCV003604759.2).